The following is an entry in ClinVar:

NM_012200.4(B3GAT3):c.168G>A (p.Ala56=)

Gene: B3GAT3 (beta-1,3-glucuronyltransferase 3; minus strand). Cytogenetic location: 11q12.3.
Variant type: single nucleotide variant.
Coding change: c.168G>A on transcript NM_012200.4 (MANE Select); coding-DNA position 168, G replaced by A.
Protein change: p.Ala56=; no amino-acid change (alanine 56 retained).
Molecular consequence: synonymous variant. On other transcripts: non-coding transcript variant (1).
Genome position (GRCh38, 1-based): chr11:62,620,586, C>T on the plus strand (G>A on the coding strand, the complement: B3GAT3 is on the minus strand). VCF-style: chr11-62620586-C-T. GRCh37 (hg19) VCF-style: chr11-62388058-C-T.
Other names: c.168G>A (NM_012200.3); c.147G>A, p.Ala49= (NM_001288721.2); c.168G>A, p.Ala56= (NM_001288722.2, NM_001288723.2).
Identifiers: ClinVar variation 1603122 (VCV001603122.11), dbSNP rs555145931, ClinGen allele CA6050194.

ClinVar aggregate classification (germline): Likely benign. Review status: criteria provided, multiple submitters, no conflicts (2 of 4 stars). 3 submissions from 3 submitters: Likely benign (2). 1 of the submissions does not count toward it. Last evaluated 2025-06-13.

Conditions:
Larsen-like syndrome, B3GAT3 type. Also called: Multiple joint dislocations, short stature, craniofacial dysmorphism, with or without congenital heart defects; MULTIPLE JOINT DISLOCATIONS, SHORT STATURE, AND CRANIOFACIAL DYSMORPHISM WITH OR WITHOUT CONGENITAL HEART DEFECTS. Identifiers: Orphanet 284139, MedGen CN034159, MONDO:0009511, OMIM 245600.
B3GAT3-related disorder. Also called: B3GAT3-related condition.

Allele frequency attached by ClinVar (database versions not stated): gnomAD exomes below 0.00001 and 0.00003; ExAC 0.00001; gnomAD 0.00002 and 0.00003; TOPMed 0.00002; 1000 Genomes Project 30x 0.00016; 1000 Genomes Project 0.00020.
gnomAD v4.1: 41 of 1,612,470 alleles (0.0025%); highest among the groups gnomAD compares: Non-Finnish European, 0.0031%; no homozygotes.

Submissions (3):

Labcorp Genetics (formerly Invitae), Labcorp
Classification: Likely benign for Larsen-like syndrome, B3GAT3 type. Last evaluated: 2025-06-13. Review status: criteria provided, single submitter. Criteria: Invitae Variant Classification Sherloc (09022015). Collection method: clinical testing. Allele origin: germline.

Blueprint Genetics
Classification: Likely benign. Last evaluated: 2023-07-06. Review status: criteria provided, single submitter. Criteria: ACMG Guidelines, 2015. Collection method: clinical testing. Allele origin: germline.

PreventionGenetics, part of Exact Sciences
Classification: Likely benign for B3GAT3-related condition. Last evaluated: 2024-01-02. Review status: no assertion criteria provided. Collection method: clinical testing. Allele origin: germline. Not counted in ClinVar's aggregate classification.
Comment: This variant is classified as likely benign based on ACMG/AMP sequence variant interpretation guidelines (Richards et al. 2015 PMID: 25741868, with internal and published modifications).